The following is an entry in ClinVar:

NM_138927.4(SON):c.3748G>C (p.Glu1250Gln)

Gene: SON (SON DNA and RNA binding protein; plus strand). Cytogenetic location: 21q22.11.
Variant type: single nucleotide variant.
Coding change: c.3748G>C on transcript NM_138927.4 (MANE Select); coding-DNA position 3748, G replaced by C.
Protein change: p.Glu1250Gln; replaces glutamic acid 1250 with glutamine.
Molecular consequence: missense variant. On other transcripts: non-coding transcript variant (1), intron variant (1).
Genome position (GRCh38, 1-based): chr21:33,552,979, G>C. VCF-style: chr21-33552979-G-C. GRCh37 (hg19) VCF-style: chr21-34925285-G-C.
Other names: c.3748G>C, p.Glu1250Gln (NM_001291411.2, NM_001412133.1, NM_032195.3 and 2 more transcripts); c.245-4177G>C (NM_001291412.3); short protein forms E1250Q.
Identifiers: ClinVar variation 2505765 (VCV002505765.2), dbSNP rs2517374591, ClinGen allele CA410160834.

ClinVar aggregate classification (germline): Uncertain significance. Review status: criteria provided, multiple submitters, no conflicts (2 of 4 stars). 2 submissions from 2 submitters: Uncertain significance (2). Last evaluated 2025-04-23.

Allele frequency attached by ClinVar (database versions not stated): gnomAD exomes below 0.00001.

Submissions (2):

Labcorp Genetics (formerly Invitae), Labcorp
Classification: Uncertain significance. Last evaluated: 2025-04-23. Review status: criteria provided, single submitter. Criteria: Invitae Variant Classification Sherloc (09022015). Collection method: clinical testing. Allele origin: germline.
Comment: This sequence change replaces glutamic acid, which is acidic and polar, with glutamine, which is neutral and polar, at codon 1250 of the SON protein (p.Glu1250Gln). This variant is not present in population databases (gnomAD no frequency). This variant has not been reported in the literature in individuals affected with SON-related conditions. ClinVar contains an entry for this variant (Variation ID: 2505765). An algorithm developed to predict the effect of missense changes on protein structure and function (PolyPhen-2) suggests that this variant is likely to be disruptive. In summary, the available evidence is currently insufficient to determine the role of this variant in disease. Therefore, it has been classified as a Variant of Uncertain Significance.

GeneDx
Classification: Uncertain significance. Last evaluated: 2022-12-14. Review status: criteria provided, single submitter. Criteria: GeneDx Variant Classification Process June 2021. Collection method: clinical testing. Allele origin: germline. Affected: yes.
Comment: Not observed at significant frequency in large population cohorts (gnomAD); In silico analysis supports that this missense variant does not alter protein structure/function; Has not been previously published as pathogenic or benign to our knowledge